The following is an entry in ClinVar:

ClinVar aggregate classification (germline): Uncertain significance (1 of 4 stars; one submission).

Conditions:
Familial thoracic aortic aneurysm and aortic dissection (TAAD). Also called: Thoracic aortic aneurysms and dissections. Identifiers: Orphanet 91387, MedGen C4707243, MONDO:0019625.

Submission:

Labcorp Genetics (formerly Invitae), Labcorp
Classification: Uncertain significance for Familial thoracic aortic aneurysm and aortic dissection. Last evaluated: 2024-11-27. Review status: criteria provided, single submitter. Criteria: Invitae Variant Classification Sherloc (09022015). Collection method: clinical testing. Allele origin: germline.
Comment: This sequence change replaces glutamic acid, which is acidic and polar, with aspartic acid, which is acidic and polar, at codon 110 of the SMAD3 protein (p.Glu110Asp). This variant is not present in population databases (gnomAD no frequency). This variant has not been reported in the literature in individuals affected with SMAD3-related conditions. Invitae Evidence Modeling of protein sequence and biophysical properties (such as structural, functional, and spatial information, amino acid conservation, physicochemical variation, residue mobility, and thermodynamic stability) indicates that this missense variant is not expected to disrupt SMAD3 protein function with a negative predictive value of 80%. In summary, the available evidence is currently insufficient to determine the role of this variant in disease. Therefore, it has been classified as a Variant of Uncertain Significance.

NM_005902.4(SMAD3):c.330G>C (p.Glu110Asp)

Gene: SMAD3 (SMAD family member 3; plus strand). Cytogenetic location: 15q22.33.
Variant type: single nucleotide variant.
Coding change: c.330G>C on transcript NM_005902.4 (MANE Select); coding-DNA position 330, G replaced by C.
Protein change: p.Glu110Asp; replaces glutamic acid 110 with aspartic acid.
Molecular consequence: missense variant.
Genome position (GRCh38, 1-based): chr15:67,165,018, G>C. VCF-style: chr15-67165018-G-C. GRCh37 (hg19) VCF-style: chr15-67457356-G-C.
Other names: c.15G>C, p.Glu5Asp (NM_001145102.2, NM_001407015.1, NM_001407016.1); c.198G>C, p.Glu66Asp (NM_001145103.2); c.330G>C, p.Glu110Asp (NM_001407011.1, NM_001407012.1, NM_001407013.1); c.183G>C, p.Glu61Asp (NM_001407014.1); short protein forms E61D, E66D, E110D, E5D.
Identifiers: ClinVar variation 3666592 (VCV003666592.2).